The following is an entry in ClinVar:

NM_001136239.4(PRDM6):c.1681A>C (p.Arg561=)

Gene: PRDM6 (PR/SET domain 6; plus strand). Cytogenetic location: 5q23.2.
Variant type: single nucleotide variant.
Coding change: c.1681A>C on transcript NM_001136239.4 (MANE Select); coding-DNA position 1681, A replaced by C.
Protein change: p.Arg561=; no amino-acid change (arginine 561 retained).
Molecular consequence: synonymous variant.
Genome position (GRCh38, 1-based): chr5:123,187,094, A>C. VCF-style: chr5-123187094-A-C. GRCh37 (hg19) VCF-style: chr5-122522788-A-C.
Identifiers: ClinVar variation 3051789 (VCV003051789.2), dbSNP rs538574724, ClinGen allele CA3386469.

ClinVar aggregate classification (germline): Likely benign (0 of 4 stars; one submission).

Conditions:
PRDM6-related disorder. Also called: PRDM6-related condition.

Allele frequency attached by ClinVar (database versions not stated): TOPMed 0.00001; gnomAD 0.00007; gnomAD exomes 0.00010; 1000 Genomes Project 30x 0.00031; 1000 Genomes Project 0.00040; ExAC 0.00083.
gnomAD v4.1: 150 of 1,551,212 alleles (0.0097%); highest among the groups gnomAD compares: South Asian, 0.17%; 3 homozygotes.

Submission:

PreventionGenetics, part of Exact Sciences
Classification: Likely benign for PRDM6-related condition. Last evaluated: 2020-02-14. Review status: no assertion criteria provided. Collection method: clinical testing. Allele origin: germline.
Comment: This variant is classified as likely benign based on ACMG/AMP sequence variant interpretation guidelines (Richards et al. 2015 PMID: 25741868, with internal and published modifications).